The following is an entry in ClinVar:

ClinVar aggregate classification (germline): Benign. Review status: criteria provided, multiple submitters, no conflicts (2 of 4 stars). 4 submissions from 4 submitters: Benign (4). Last evaluated 2026-01-26.

Conditions:
Autosomal dominant striatal neurodegeneration type 1. Identifiers: Orphanet 228169, MedGen C4310808, MONDO:0012205, OMIM 609161.

Allele frequency attached by ClinVar (database versions not stated): gnomAD exomes 0.00151 and 0.00400; ExAC 0.00482; gnomAD 0.01468 and 0.01569; 1000 Genomes Project 0.01478; ESP Exome Variant Server 0.01592; TOPMed 0.01718; 1000 Genomes Project 30x 0.01765.
gnomAD v4.1: 4,546 of 1,613,828 alleles (0.28%); highest among the groups gnomAD compares: African/African-American, 5%; 96 homozygotes.

Submissions (4):

Labcorp Genetics (formerly Invitae), Labcorp
Classification: Benign. Last evaluated: 2026-01-26. Review status: criteria provided, single submitter. Criteria: Invitae Variant Classification Sherloc (09022015). Collection method: clinical testing. Allele origin: germline.

Mayo Clinic Laboratories, Mayo Clinic
Classification: Benign. Last evaluated: 2024-10-18. Review status: criteria provided, single submitter. Criteria: ACMG Guidelines, 2015. Collection method: clinical testing. Allele origin: germline. Observed: 4 variant alleles.
Comment: BS1, BS2, BP4, BP7

Illumina Laboratory Services, Illumina
Classification: Benign for Autosomal dominant striatal neurodegeneration type 1. Last evaluated: 2018-01-12. Review status: criteria provided, single submitter. Criteria: ICSL Variant Classification Criteria 13 December 2019. Collection method: clinical testing. Allele origin: germline.
Comment: This variant was observed in the ICSL laboratory as part of a predisposition screen in an ostensibly healthy population. It had not been previously curated by ICSL or reported in the Human Gene Mutation Database (HGMD: prior to June 1st, 2018), and was therefore a candidate for classification through an automated scoring system. Utilizing variant allele frequency, disease prevalence and penetrance estimates, and inheritance mode, an automated score was calculated to assess if this variant is too frequent to cause the disease. Based on the score and internal cut-off values, a variant classified as benign is not then subjected to further curation. The score for this variant resulted in a classification of benign for this disease.

Breakthrough Genomics
Classification: Benign. Review status: criteria provided, single submitter. Criteria: ACMG Guidelines, 2015. Collection method: not provided. Allele origin: germline. Inheritance: Autosomal dominant inheritance. Affected: yes.

NM_003719.5(PDE8B):c.552T>C (p.His184=)

Gene: PDE8B (phosphodiesterase 8B; plus strand). Cytogenetic location: 5q13.3.
Variant type: single nucleotide variant.
Coding change: c.552T>C on transcript NM_003719.5 (MANE Select); coding-DNA position 552, T replaced by C.
Protein change: p.His184=; no amino-acid change (histidine 184 retained).
Molecular consequence: synonymous variant.
Genome position (GRCh38, 1-based): chr5:77,325,691, T>C. VCF-style: chr5-77325691-T-C. GRCh37 (hg19) VCF-style: chr5-76621516-T-C.
Other names: p.His184=; c.552T>C (NM_003719.4); c.552T>C, p.His184= (NM_001029851.4, NM_001029852.4, NM_001029854.4 and 2 more transcripts); c.492T>C, p.His164= (NM_001029853.4); c.549T>C, p.His183= (NM_001349748.3, NM_001349751.3, NM_001376065.1); c.615T>C, p.His205= (NM_001349749.3); c.312T>C, p.His104= (NM_001349750.3); c.246T>C, p.His82= (NM_001349752.3, NM_001376071.1); and 4 more.
Identifiers: ClinVar variation 354152 (VCV000354152.16), dbSNP rs971647, ClinGen allele CA3314950.